The following is an entry in ClinVar:

NM_020738.4(KIDINS220):c.3334G>T (p.Ala1112Ser)

Gene: KIDINS220 (kinase D interacting substrate 220; minus strand). Cytogenetic location: 2p25.1.
Variant type: single nucleotide variant.
Coding change: c.3334G>T on transcript NM_020738.4 (MANE Select); coding-DNA position 3334, G replaced by T.
Protein change: p.Ala1112Ser; replaces alanine 1112 with serine.
Molecular consequence: missense variant. On other transcripts: non-coding transcript variant (2).
Genome position (GRCh38, 1-based): chr2:8,750,192, C>A on the plus strand (G>T on the coding strand, the complement: KIDINS220 is on the minus strand). VCF-style: chr2-8750192-C-A. GRCh37 (hg19) VCF-style: chr2-8890322-C-A.
Other names: c.3334G>T (NM_020738.2); c.3337G>T, p.Ala1113Ser (NM_001348729.2, NM_001348731.2, NM_001348734.2 and 2 more transcripts); c.3334G>T, p.Ala1112Ser (NM_001348732.2, NM_001348735.2, NM_001348738.2 and 3 more transcripts); c.3208G>T, p.Ala1070Ser (NM_001348736.2); short protein forms A1113S, A1070S, A1112S.
Identifiers: ClinVar variation 1970531 (VCV001970531.6), dbSNP rs778339888, ClinGen allele CA345771643.

ClinVar aggregate classification (germline): Uncertain significance. Review status: criteria provided, multiple submitters, no conflicts (2 of 4 stars). 2 submissions from 2 submitters: Uncertain significance (2). Last evaluated 2024-12-18.

Conditions:
KIDINS220-related disorder. Also called: KIDINS220-related condition.

gnomAD v4.1: 2 of 1,614,152 alleles (0.00012%); highest among the groups gnomAD compares: Non-Finnish European, 0.00017%; no homozygotes.

Submissions (2):

PreventionGenetics, part of Exact Sciences
Classification: Uncertain significance for KIDINS220-related condition. Last evaluated: 2024-12-18. Review status: criteria provided, single submitter. Criteria: ACMG Guidelines, 2015. Collection method: clinical testing. Allele origin: germline.
Comment: The KIDINS220 c.3334G>T variant is predicted to result in the amino acid substitution p.Ala1112Ser. To our knowledge, this variant has not been reported in the literature or in a large population database (gnomAD), indicating this variant is rare. At this time, the clinical significance of this variant is uncertain due to the absence of conclusive functional and genetic evidence.

Labcorp Genetics (formerly Invitae), Labcorp
Classification: Uncertain significance. Last evaluated: 2022-02-04. Review status: criteria provided, single submitter. Criteria: Invitae Variant Classification Sherloc (09022015). Collection method: clinical testing. Allele origin: germline.
Comment: This sequence change replaces alanine, which is neutral and non-polar, with serine, which is neutral and polar, at codon 1112 of the KIDINS220 protein (p.Ala1112Ser). This variant is not present in population databases (gnomAD no frequency). This variant has not been reported in the literature in individuals affected with KIDINS220-related conditions. Algorithms developed to predict the effect of missense changes on protein structure and function (SIFT, PolyPhen-2, Align-GVGD) all suggest that this variant is likely to be tolerated. In summary, the available evidence is currently insufficient to determine the role of this variant in disease. Therefore, it has been classified as a Variant of Uncertain Significance.